The following is an entry in ClinVar:

NM_004304.5(ALK):c.4619C>G (p.Thr1540Ser)

Gene: ALK (ALK receptor tyrosine kinase; minus strand). Cytogenetic location: 2p23.2.
Variant type: single nucleotide variant.
Coding change: c.4619C>G on transcript NM_004304.5 (MANE Select); coding-DNA position 4619, C replaced by G.
Protein change: p.Thr1540Ser; replaces threonine 1540 with serine.
Molecular consequence: missense variant.
Genome position (GRCh38, 1-based): chr2:29,193,468, G>C on the plus strand (C>G on the coding strand, the complement: ALK is on the minus strand). VCF-style: chr2-29193468-G-C. GRCh37 (hg19) VCF-style: chr2-29416334-G-C.
Other names: c.1415C>G, p.Thr472Ser (NM_001353765.2); short protein forms T1540S, T472S.
Identifiers: ClinVar variation 1433627 (VCV001433627.14), dbSNP rs1215255332, ClinGen allele CA346460582.

ClinVar aggregate classification (germline): Uncertain significance. Review status: criteria provided, multiple submitters, no conflicts (2 of 4 stars). 5 submissions from 5 submitters: Uncertain significance (5). Last evaluated 2025-06-10.

Conditions:
Hereditary cancer-predisposing syndrome. Also called: Neoplastic Syndromes, Hereditary; Hereditary Cancer Syndrome; Tumor predisposition; Hereditary neoplastic syndrome. Identifiers: Orphanet 140162, MedGen C0027672, MeSH D009386, MONDO:0015356.
Neuroblastoma, susceptibility to, 3. Also called: ALK-Related Neuroblastic Tumor Susceptibility. Identifiers: Orphanet 635, MedGen C2751681, MONDO:0013083, OMIM 613014.

Allele frequency attached by ClinVar (database versions not stated): gnomAD exomes below 0.00001; gnomAD 0.00002; TOPMed 0.00003.

Submissions (5):

Labcorp Genetics (formerly Invitae), Labcorp
Classification: Uncertain significance for Neuroblastoma, susceptibility to, 3. Last evaluated: 2025-06-10. Review status: criteria provided, single submitter. Criteria: Invitae Variant Classification Sherloc (09022015). Collection method: clinical testing. Allele origin: germline.
Comment: This sequence change replaces threonine, which is neutral and polar, with serine, which is neutral and polar, at codon 1540 of the ALK protein (p.Thr1540Ser). This variant is present in population databases (no rsID available, gnomAD 0.008%). This variant has not been reported in the literature in individuals affected with ALK-related conditions. ClinVar contains an entry for this variant (Variation ID: 1433627). An algorithm developed to predict the effect of missense changes on protein structure and function outputs the following: PolyPhen-2: "Benign". The serine amino acid residue is found in multiple mammalian species, which suggests that this missense change does not adversely affect protein function. In summary, the available evidence is currently insufficient to determine the role of this variant in disease. Therefore, it has been classified as a Variant of Uncertain Significance.

Ambry Genetics
Classification: Uncertain significance for Hereditary cancer-predisposing syndrome. Last evaluated: 2024-05-19. Review status: criteria provided, single submitter. Criteria: Ambry Variant Classification Scheme 2023. Collection method: clinical testing. Allele origin: germline.
Comment: The p.T1540S variant (also known as c.4619C>G), located in coding exon 29 of the ALK gene, results from a C to G substitution at nucleotide position 4619. The threonine at codon 1540 is replaced by serine, an amino acid with similar properties. This amino acid position is conserved. In addition, this alteration is predicted to be tolerated by in silico analysis. Since supporting evidence is limited at this time, the clinical significance of this alteration remains unclear.

Fulgent Genetics
Classification: Uncertain significance for Neuroblastoma, susceptibility to, 3. Last evaluated: 2024-04-22. Review status: criteria provided, single submitter. Criteria: ACMG Guidelines, 2015. Collection method: clinical testing. Allele origin: germline.

Baylor Genetics
Classification: Uncertain significance for Neuroblastoma, susceptibility to, 3. Last evaluated: 2023-09-24. Review status: criteria provided, single submitter. Criteria: ACMG Guidelines, 2015. Collection method: clinical testing. Allele origin: unknown.

Sema4
Classification: Uncertain significance for Hereditary cancer-predisposing syndrome. Last evaluated: 2021-12-02. Review status: criteria provided, single submitter. Criteria: Sema4 Curation Guidelines. Collection method: curation. Allele origin: germline.
Comment: The ALK c.4619C>G (p.T1540S) variant has not been reported in the literature to our knowledge. It was observed in 2/24972 chromosomes of the African subpopulation in the large and broad cohorts of the Genome Aggregation Database (PMID: 32461654). This variant has not been reported in ClinVar. In silico tools suggest the impact of the variant on protein function is benign, though these predictions have not been confirmed by functional studies. The evidence is insufficient to meet ACMG/AMP criteria for classifying the variant as benign or pathogenic. Thus, the clinical significance of this variant is currently uncertain.